The following is an entry in ClinVar:

NM_000393.5(COL5A2):c.3084A>G (p.Lys1028=)

Gene: COL5A2 (collagen type V alpha 2 chain; minus strand). Cytogenetic location: 2q32.2.
Variant type: single nucleotide variant.
Coding change: c.3084A>G on transcript NM_000393.5 (MANE Select); coding-DNA position 3084, A replaced by G.
Protein change: p.Lys1028=; no amino-acid change (lysine 1028 retained).
Molecular consequence: synonymous variant.
Genome position (GRCh38, 1-based): chr2:189,049,410, T>C on the plus strand (A>G on the coding strand, the complement: COL5A2 is on the minus strand). VCF-style: chr2-189049410-T-C. GRCh37 (hg19) VCF-style: chr2-189914136-T-C.
Other names: p.Lys1028=.
Identifiers: ClinVar variation 393243 (VCV000393243.13), dbSNP rs774936724, ClinGen allele CA2022113.

ClinVar aggregate classification (germline): Conflicting classifications of pathogenicity. Review status: criteria provided, conflicting classifications (1 of 4 stars). 5 submissions from 5 submitters: Uncertain significance (1); Benign (1); Likely benign (3). Last evaluated 2026-04-15.

Conditions:
Familial thoracic aortic aneurysm and aortic dissection (TAAD). Also called: Thoracic aortic aneurysms and dissections. Identifiers: Orphanet 91387, MedGen C4707243, MONDO:0019625.
Ehlers-Danlos syndrome, classic type, 1 (EDSCL1). Also called: EHLERS-DANLOS SYNDROME, GRAVIS TYPE; EHLERS-DANLOS SYNDROME, SEVERE CLASSIC TYPE; Ehlers-Danlos Syndrome, Classic Type, COL5A1-Related; EDS I; Ehlers-Danlos syndrome, type 1. Identifiers: MedGen C0268335, MONDO:0019567, OMIM 130000.

Allele frequency attached by ClinVar (database versions not stated): TOPMed 0.00013; ExAC 0.00005.
gnomAD v4.1: 76 of 1,613,572 alleles (0.0047%); highest among the groups gnomAD compares: Admixed American, 0.0083%; no homozygotes.

Submissions (5):

Women's Health and Genetics/Laboratory Corporation of America, LabCorp
Classification: Benign. Last evaluated: 2026-04-15. Review status: criteria provided, single submitter. Criteria: LabCorp Variant Classification Summary - May 2015. Collection method: clinical testing. Allele origin: germline.

Labcorp Genetics (formerly Invitae), Labcorp
Classification: Likely benign for Ehlers-Danlos syndrome, classic type, 1. Last evaluated: 2026-01-21. Review status: criteria provided, single submitter. Criteria: Invitae Variant Classification Sherloc (09022015). Collection method: clinical testing. Allele origin: germline.

Mayo Clinic Laboratories, Mayo Clinic
Classification: Likely benign. Last evaluated: 2025-10-26. Review status: criteria provided, single submitter. Criteria: ACMG Guidelines, 2015. Collection method: clinical testing. Allele origin: germline. Observed: 3 variant alleles.

Ambry Genetics
Classification: Likely benign for Familial thoracic aortic aneurysm and aortic dissection. Last evaluated: 2020-11-03. Review status: criteria provided, single submitter. Criteria: Ambry Variant Classification Scheme 2023. Collection method: clinical testing. Allele origin: germline.

GeneDx
Classification: Uncertain significance. Last evaluated: 2017-02-01. Review status: criteria provided, single submitter. Criteria: GeneDx Variant Classification (06012015). Collection method: clinical testing. Allele origin: germline. Affected: yes.
Comment: A variant of uncertain significance has been identified in the COL5A2gene. The c.3084 A>G variant has not been published as pathogenic or been reported as benign to our knowledge. It is not observed at a significant frequency in large population cohorts (Lek et al., 2016; 1000 Genomes Consortium et al., 2015; Exome Variant Server). Though this variant results in a synonymous amino acid substitution, this variant could be functionally significant at the mRNA level. At the mRNA level, the nucleotide guanine (G) is conserved across most species. However, guanine is wild-type at this nucleotide position in the lamprey species, and in silico splicing algorithms do not predict an impact on splicing. Nevertheless, in the absence of functional or segregation studies the physiological and clinical significance of this variant cannot be determined. Lastly, the c.3084 A>G does not affect a Glycine residue in a Gly-X-Y motif in the triple helical region of the COL5A2 gene, where the majority of pathogenic missense variants occur (Stenson et al., 2014; Symoens et al., 2012).